The following is an entry in ClinVar:

NM_001163435.3(TBCK):c.2368A>G (p.Ser790Gly)

Gene: TBCK (TBC1 domain containing kinase; minus strand). Cytogenetic location: 4q24.
Variant type: single nucleotide variant.
Coding change: c.2368A>G on transcript NM_001163435.3 (MANE Select); coding-DNA position 2368, A replaced by G.
Protein change: p.Ser790Gly; replaces serine 790 with glycine.
Molecular consequence: missense variant.
Genome position (GRCh38, 1-based): chr4:106,116,246, T>C on the plus strand (A>G on the coding strand, the complement: TBCK is on the minus strand). VCF-style: chr4-106116246-T-C. GRCh37 (hg19) VCF-style: chr4-107037403-T-C.
Other names: c.2368A>G (NM_001163435.1); c.2368A>G, p.Ser790Gly (NM_001163436.4); c.2251A>G, p.Ser751Gly (NM_001163437.3); c.1852A>G, p.Ser618Gly (NM_001290768.2); c.2179A>G, p.Ser727Gly (NM_033115.5); short protein forms S618G, S727G, S751G, S790G.
Identifiers: ClinVar variation 1543643 (VCV001543643.12), dbSNP rs149002761, ClinGen allele CA3034728.

ClinVar aggregate classification (germline): Conflicting classifications of pathogenicity. Review status: criteria provided, conflicting classifications (1 of 4 stars). 3 submissions from 3 submitters: Uncertain significance (2); Likely benign (1). Last evaluated 2025-08-20.

Conditions:
Inborn genetic diseases. Identifiers: MedGen C0950123, MeSH D030342.
Hypotonia, infantile, with psychomotor retardation and characteristic facies 3 (IHPRF3). Also called: TBCK-Related Neurodevelopmental Disorder. Identifiers: Orphanet 488632, MedGen C5567480, MONDO:0014823, OMIM 616900.

Allele frequency attached by ClinVar (database versions not stated): gnomAD exomes 0.00002 and 0.00006; gnomAD 0.00003 and 0.00005; TOPMed 0.00005; ExAC 0.00008; ESP Exome Variant Server 0.00015.
gnomAD v4.1: 47 of 1,614,026 alleles (0.0029%); highest among the groups gnomAD compares: Middle Eastern, 0.033%; 1 homozygote.

Submissions (3):

Labcorp Genetics (formerly Invitae), Labcorp
Classification: Likely benign. Last evaluated: 2025-08-20. Review status: criteria provided, single submitter. Criteria: Invitae Variant Classification Sherloc (09022015). Collection method: clinical testing. Allele origin: germline.

Ambry Genetics
Classification: Uncertain significance for Inborn genetic diseases. Last evaluated: 2023-01-10. Review status: criteria provided, single submitter. Criteria: Ambry Variant Classification Scheme 2023. Collection method: clinical testing. Allele origin: germline.
Comment: The c.2368A>G (p.S790G) alteration is located in exon 24 (coding exon 23) of the TBCK gene. This alteration results from a A to G substitution at nucleotide position 2368, causing the serine (S) at amino acid position 790 to be replaced by a glycine (G). The p.S790G alteration is predicted to be tolerated by in silico analysis. Based on insufficient or conflicting evidence, the clinical significance of this alteration remains unclear.

Revvity Omics, Revvity
Classification: Uncertain significance for Hypotonia, infantile, with psychomotor retardation and characteristic facies 3. Last evaluated: 2020-12-19. Review status: criteria provided, single submitter. Criteria: ACMG Guidelines, 2015. Collection method: clinical testing. Allele origin: germline.